The following is an entry in ClinVar:

NM_000038.6(APC):c.804A>T (p.Glu268Asp)

Gene: APC (APC regulator of Wnt signaling pathway; plus strand). Cytogenetic location: 5q22.2.
Variant type: single nucleotide variant.
Coding change: c.804A>T on transcript NM_000038.6 (MANE Select); coding-DNA position 804, A replaced by T.
Protein change: p.Glu268Asp; replaces glutamic acid 268 with aspartic acid.
Molecular consequence: missense variant. On other transcripts: 5 prime UTR variant (4), non-coding transcript variant (2).
Genome position (GRCh38, 1-based): chr5:112,801,353, A>T. VCF-style: chr5-112801353-A-T. GRCh37 (hg19) VCF-style: chr5-112137050-A-T.
Other names: c.804A>T, p.Glu268Asp (NM_001127510.3, NM_001354895.2, NM_001354896.2 and 12 more transcripts); c.750A>T, p.Glu250Asp (NM_001127511.3); c.834A>T, p.Glu278Asp (NM_001354897.2, NM_001354902.2, NM_001407446.1); c.729A>T, p.Glu243Asp (NM_001354898.2, NM_001354904.2, NM_001407451.1); c.720A>T, p.Glu240Asp (NM_001354899.2, NM_001407452.1, NM_001407467.1 and 1 more transcripts); c.627A>T, p.Glu209Asp (NM_001354900.2, NM_001354901.2, NM_001354905.2 and 1 more transcripts); c.-232A>T (NM_001354906.2, NM_001407470.1, NM_001407471.1 and 1 more transcripts); short protein forms E250D, E268D, E278D, E240D, E209D, E243D.
Identifiers: ClinVar variation 2587012 (VCV002587012.2), dbSNP rs970071415, ClinGen allele CA16023088.

ClinVar aggregate classification (germline): Uncertain significance (1 of 4 stars; one submission).

Conditions:
Hereditary cancer-predisposing syndrome. Also called: Hereditary neoplastic syndrome; Tumor predisposition; Hereditary Cancer Syndrome; Neoplastic Syndromes, Hereditary. Identifiers: Orphanet 140162, MedGen C0027672, MeSH D009386, MONDO:0015356.

Submission:

Ambry Genetics
Classification: Uncertain significance for Hereditary cancer-predisposing syndrome. Last evaluated: 2023-08-07. Review status: criteria provided, single submitter. Criteria: Ambry Variant Classification Scheme 2023. Collection method: clinical testing. Allele origin: germline.
Comment: The p.E268D variant (also known as c.804A>T), located in coding exon 7 of the APC gene, results from an A to T substitution at nucleotide position 804. The glutamic acid at codon 268 is replaced by aspartic acid, an amino acid with highly similar properties. This amino acid position is well conserved in available vertebrate species. In addition, in silico predictors for this gene do not accurately predict pathogenicity. Since supporting evidence is limited at this time, the clinical significance of this alteration remains unclear.